The following is an entry in ClinVar:

NM_000020.3(ACVRL1):c.-52G>A

Gene: ACVRL1 (activin A receptor like type 1; plus strand). Cytogenetic location: 12q13.13.
Variant type: single nucleotide variant.
Coding change: c.-52G>A on transcript NM_000020.3 (MANE Select); 52 bases upstream of the start codon, G replaced by A.
Molecular consequence: 5 prime UTR variant.
Genome position (GRCh38, 1-based): chr12:51,907,649, G>A. VCF-style: chr12-51907649-G-A. GRCh37 (hg19) VCF-style: chr12-52301433-G-A.
Identifiers: ClinVar variation 309439 (VCV000309439.47), dbSNP rs573048639, ClinGen allele CA10637900.

ClinVar aggregate classification (germline): Conflicting classifications of pathogenicity. Review status: criteria provided, conflicting classifications (1 of 4 stars). 3 submissions from 3 submitters: Uncertain significance (1); Benign (1); Likely benign (1). Last evaluated 2026-09-01.

Conditions:
Telangiectasia, hereditary hemorrhagic, type 2 (HHT2). Also called: ACVRL1-Related Hereditary Hemorrhagic Telangiectasia; Telangiectasia, hereditary hemorrhagic, type II. Identifiers: Orphanet 774, MedGen C1838163, MONDO:0010880, OMIM 600376. Disease mechanism: loss of function.

Allele frequency attached by ClinVar (database versions not stated): 1000 Genomes Project 0.00020; 1000 Genomes Project 30x 0.00172; gnomAD 0.00384 and 0.00390; TOPMed 0.00401.

Submissions (3):

CeGaT Center for Human Genetics Tuebingen
Classification: Likely benign. Last evaluated: 2026-09-01. Review status: criteria provided, single submitter. Criteria: CeGaT Center For Human Genetics Tuebingen Variant Classification Criteria Version 2. Collection method: clinical testing. Allele origin: germline. Affected: yes. Observed: 36 variant alleles.
Comment: ACVRL1: BS1

ARUP Laboratories, Molecular Genetics and Genomics, ARUP Laboratories
Classification: Benign for Telangiectasia, hereditary hemorrhagic, type 2. Last evaluated: 2025-07-03. Review status: criteria provided, single submitter. Criteria: ARUP Molecular Germline Variant Investigation Process 2024. Collection method: clinical testing. Allele origin: germline.

Illumina Laboratory Services, Illumina
Classification: Uncertain significance for Telangiectasia, hereditary hemorrhagic, type 2. Last evaluated: 2018-01-12. Review status: criteria provided, single submitter. Criteria: ICSL Variant Classification Criteria 13 December 2019. Collection method: clinical testing. Allele origin: germline.